The following is an entry in ClinVar:

NM_000368.5(TSC1):c.591C>T (p.Cys197=)

Gene: TSC1 (TSC complex subunit 1; minus strand). Cytogenetic location: 9q34.13.
Variant type: single nucleotide variant.
Coding change: c.591C>T on transcript NM_000368.5 (MANE Select); coding-DNA position 591, C replaced by T.
Protein change: p.Cys197=; no amino-acid change (cysteine 197 retained).
Molecular consequence: synonymous variant.
Genome position (GRCh38, 1-based): chr9:132,921,891, G>A on the plus strand (C>T on the coding strand, the complement: TSC1 is on the minus strand). VCF-style: chr9-132921891-G-A. GRCh37 (hg19) VCF-style: chr9-135797278-G-A.
Other names: c.591C>T, p.Cys197= (NM_001162426.2); c.438C>T, p.Cys146= (NM_001162427.2); c.228C>T, p.Cys76= (NM_001362177.2).
Identifiers: ClinVar variation 826057 (VCV000826057.5), dbSNP rs1588347154, ClinGen allele CA467593798.

ClinVar aggregate classification (germline): Conflicting classifications of pathogenicity. Review status: criteria provided, conflicting classifications (1 of 4 stars). 2 submissions from 2 submitters: Uncertain significance (1); Likely benign (1). Last evaluated 2025-03-14.

Conditions:
Hereditary cancer-predisposing syndrome. Also called: Neoplastic Syndromes, Hereditary; Hereditary Cancer Syndrome; Hereditary neoplastic syndrome; Tumor predisposition. Identifiers: Orphanet 140162, MedGen C0027672, MeSH D009386, MONDO:0015356.
Tuberous sclerosis 1 (TSC1). Identifiers: Orphanet 805, MedGen C1854465, MONDO:0008612, OMIM 191100.

Allele frequency attached by ClinVar (database versions not stated): gnomAD exomes below 0.00001.
gnomAD v4.1: 1 of 1,614,184 alleles (0.000062%); highest among the groups gnomAD compares: Non-Finnish European, 0.000085%; no homozygotes.

Submissions (2):

Labcorp Genetics (formerly Invitae), Labcorp
Classification: Uncertain significance for Tuberous sclerosis 1. Last evaluated: 2025-03-14. Review status: criteria provided, single submitter. Criteria: Invitae Variant Classification Sherloc (09022015). Collection method: clinical testing. Allele origin: germline.
Comment: This sequence change affects codon 197 of the TSC1 mRNA. It is a 'silent' change, meaning that it does not change the encoded amino acid sequence of the TSC1 protein. This variant is not present in population databases (gnomAD no frequency). This variant has not been reported in the literature in individuals affected with TSC1-related conditions. ClinVar contains an entry for this variant (Variation ID: 826057). Algorithms developed to predict the effect of sequence changes on RNA splicing suggest that this variant may disrupt the consensus splice site. In summary, the available evidence is currently insufficient to determine the role of this variant in disease. Therefore, it has been classified as a Variant of Uncertain Significance.

Ambry Genetics
Classification: Likely benign for Hereditary cancer-predisposing syndrome. Last evaluated: 2018-12-19. Review status: criteria provided, single submitter. Criteria: Ambry Variant Classification Scheme 2023. Collection method: clinical testing. Allele origin: germline.